The following is an entry in ClinVar:

NM_030665.4(RAI1):c.1142C>G (p.Ala381Gly)

Gene: RAI1 (retinoic acid induced 1; plus strand). Cytogenetic location: 17p11.2.
Variant type: single nucleotide variant.
Coding change: c.1142C>G on transcript NM_030665.4 (MANE Select); coding-DNA position 1142, C replaced by G.
Protein change: p.Ala381Gly; replaces alanine 381 with glycine.
Molecular consequence: missense variant.
Genome position (GRCh38, 1-based): chr17:17,794,090, C>G. VCF-style: chr17-17794090-C-G. GRCh37 (hg19) VCF-style: chr17-17697404-C-G.
Other names: short protein forms A381G.
Identifiers: ClinVar variation 1721683 (VCV001721683.5), dbSNP rs113208290, ClinGen allele CA398546981.
Genomic context (GRCh38, chr17:17,794,090, plus strand): 5'-CGCCGCTGATGCCAAACCTGGAGAACTTTCCCTACAGCCAGCAGCCGCTCAGCACCGGGG[C>G]CTTCCCCGCAGGGATCACTGACCACAGCCACTTCATGCCCCTGCTCAATCCCTCCCCAAC-3'
Protein context (NP_109590.3, residues 371-391): PYSQQPLSTG[Ala381Gly]FPAGITDHSH

ClinVar aggregate classification (germline): Uncertain significance (1 of 4 stars; one submission).

Submission:

Labcorp Genetics (formerly Invitae), Labcorp
Classification: Uncertain significance. Last evaluated: 2022-11-26. Review status: criteria provided, single submitter. Criteria: Invitae Variant Classification Sherloc (09022015). Collection method: clinical testing. Allele origin: germline.
Comment: In summary, the available evidence is currently insufficient to determine the role of this variant in disease. Therefore, it has been classified as a Variant of Uncertain Significance. Advanced modeling of protein sequence and biophysical properties (such as structural, functional, and spatial information, amino acid conservation, physicochemical variation, residue mobility, and thermodynamic stability) performed at Invitae indicates that this missense variant is not expected to disrupt RAI1 protein function. This variant has not been reported in the literature in individuals affected with RAI1-related conditions. This variant is not present in population databases (gnomAD no frequency). This sequence change replaces alanine, which is neutral and non-polar, with glycine, which is neutral and non-polar, at codon 381 of the RAI1 protein (p.Ala381Gly).